The following is an entry in ClinVar:

NM_182914.3(SYNE2):c.20208G>A (p.Leu6736=)

Gene: SYNE2 (spectrin repeat containing nuclear envelope protein 2; plus strand). Cytogenetic location: 14q23.2.
Variant type: single nucleotide variant.
Coding change: c.20208G>A on transcript NM_182914.3 (MANE Select); coding-DNA position 20208, G replaced by A.
Protein change: p.Leu6736=; no amino-acid change (leucine 6736 retained).
Molecular consequence: synonymous variant.
Genome position (GRCh38, 1-based): chr14:64,223,206, G>A. VCF-style: chr14-64223206-G-A. GRCh37 (hg19) VCF-style: chr14-64689924-G-A.
Other names: c.20139G>A, p.Leu6713= (NM_015180.6); c.774G>A, p.Leu258= (NM_182910.2); c.1152G>A, p.Leu384= (NM_182913.4).
Identifiers: ClinVar variation 3778494 (VCV003778494.7).

ClinVar aggregate classification (germline): Likely benign (1 of 4 stars; one submission).

gnomAD v4.1: 2 of 1,613,740 alleles (0.00012%); highest among the groups gnomAD compares: Non-Finnish European, 0.00017%; no homozygotes.

Submission:

CeGaT Center for Human Genetics Tuebingen
Classification: Likely benign. Last evaluated: 2025-03-01. Review status: criteria provided, single submitter. Criteria: CeGaT Center For Human Genetics Tuebingen Variant Classification Criteria Version 2. Collection method: clinical testing. Allele origin: germline. Affected: yes. Observed: 1 variant allele.
Comment: SYNE2: BP4, BP7